The following is an entry in ClinVar:

NM_001127222.2(CACNA1A):c.1555+183A>C

Gene: CACNA1A (calcium voltage-gated channel subunit alpha1 A; minus strand). Cytogenetic location: 19p13.13.
Variant type: single nucleotide variant.
Coding change: c.1555+183A>C on transcript NM_001127222.2 (MANE Select); 183 bases into the intron after coding-DNA position 1555, A replaced by C.
Molecular consequence: intron variant.
Genome position (GRCh38, 1-based): chr19:13,316,929, T>G on the plus strand (A>C on the coding strand, the complement: CACNA1A is on the minus strand). VCF-style: chr19-13316929-T-G. GRCh37 (hg19) VCF-style: chr19-13427743-T-G.
Other names: c.1558+183A>C (NM_001127221.2, NM_001174080.2, NM_000068.4 and 1 more transcripts).
Identifiers: ClinVar variation 678173 (VCV000678173.1), dbSNP rs2292035, ClinGen allele CA15940709.

ClinVar aggregate classification (germline): Benign (1 of 4 stars; one submission).

Allele frequency attached by ClinVar (database versions not stated): gnomAD exomes 0.25024; gnomAD 0.29256 and 0.29424; TOPMed 0.30523; 1000 Genomes Project 0.35403; 1000 Genomes Project 30x 0.35603.
gnomAD v4.1: 136,024 of 516,134 alleles (26%); highest among the groups gnomAD compares: East Asian, 46%; 19,944 homozygotes.

Submission:

GeneDx
Classification: Benign. Last evaluated: 2018-06-14. Review status: criteria provided, single submitter. Criteria: GeneDx Variant Classification (06012015). Collection method: clinical testing. Allele origin: germline. Affected: yes.
Comment: This variant is considered likely benign or benign based on one or more of the following criteria: it is a conservative change, it occurs at a poorly conserved position in the protein, it is predicted to be benign by multiple in silico algorithms, and/or has population frequency not consistent with disease.